The following is an entry in ClinVar:

NM_022168.4(IFIH1):c.4T>A (p.Ser2Thr)

Gene: IFIH1 (interferon induced with helicase C domain 1; minus strand). Cytogenetic location: 2q24.2.
Variant type: single nucleotide variant.
Coding change: c.4T>A on transcript NM_022168.4 (MANE Select); coding-DNA position 4, T replaced by A.
Protein change: p.Ser2Thr; replaces serine 2 with threonine.
Molecular consequence: missense variant.
Genome position (GRCh38, 1-based): chr2:162,318,304, A>T on the plus strand (T>A on the coding strand, the complement: IFIH1 is on the minus strand). VCF-style: chr2-162318304-A-T. GRCh37 (hg19) VCF-style: chr2-163174814-A-T.
Other names: short protein forms S2T.
Identifiers: ClinVar variation 2921901 (VCV002921901.3), dbSNP rs2469006660, ClinGen allele CA349015214.

ClinVar aggregate classification (germline): Uncertain significance (1 of 4 stars; one submission).

Conditions:
Singleton-Merten syndrome 1 (SGMRT1). Also called: Syndrome of widened medullary cavities of the metacarpals and phalanges, aortic calcification and abnormal dentition; Widened medullary cavities of bone, aortic calcification, abnormal dentition, and muscular weakness. Identifiers: Orphanet 85191, MedGen C4225427, MONDO:0024535, OMIM 182250.
Aicardi-Goutieres syndrome 7 (AGS7). Identifiers: Orphanet 51, MedGen C3888244, MONDO:0014367, OMIM 615846.

Allele frequency attached by ClinVar (database versions not stated): gnomAD exomes below 0.00001.
gnomAD v4.1: 1 of 1,609,856 alleles (0.000062%); highest among the groups gnomAD compares: African/African-American, 0.0013%; no homozygotes.

Submission:

Labcorp Genetics (formerly Invitae), Labcorp
Classification: Uncertain significance for Aicardi-Goutieres syndrome 7; Singleton-Merten syndrome 1. Last evaluated: 2024-01-03. Review status: criteria provided, single submitter. Criteria: Invitae Variant Classification Sherloc (09022015). Collection method: clinical testing. Allele origin: germline.
Comment: This sequence change replaces serine, which is neutral and polar, with threonine, which is neutral and polar, at codon 2 of the IFIH1 protein (p.Ser2Thr). This variant is not present in population databases (gnomAD no frequency). This variant has not been reported in the literature in individuals affected with IFIH1-related conditions. Algorithms developed to predict the effect of missense changes on protein structure and function output the following: SIFT: "Not Available"; PolyPhen-2: "Benign"; Align-GVGD: "Not Available". The threonine amino acid residue is found in multiple mammalian species, which suggests that this missense change does not adversely affect protein function. In summary, the available evidence is currently insufficient to determine the role of this variant in disease. Therefore, it has been classified as a Variant of Uncertain Significance.